The following is an entry in ClinVar:

ClinVar aggregate classification (germline): Uncertain significance (1 of 4 stars; one submission).

Conditions:
Nephronophthisis 15 (NPHP15). Identifiers: Orphanet 3156, MedGen C3541853, MONDO:0013917, OMIM 614845.

Allele frequency attached by ClinVar (database versions not stated): gnomAD exomes below 0.00001 and 0.00001; ExAC 0.00001.
gnomAD v4.1: 1 of 1,611,688 alleles (0.000062%); highest among the groups gnomAD compares: Non-Finnish European, 0.000085%; no homozygotes.

Submission:

Labcorp Genetics (formerly Invitae), Labcorp
Classification: Uncertain significance for Nephronophthisis 15. Last evaluated: 2023-12-11. Review status: criteria provided, single submitter. Criteria: Invitae Variant Classification Sherloc (09022015). Collection method: clinical testing. Allele origin: germline.
Comment: This sequence change replaces leucine, which is neutral and non-polar, with proline, which is neutral and non-polar, at codon 1165 of the CEP164 protein (p.Leu1165Pro). This variant is present in population databases (rs747917840, gnomAD 0.002%). This variant has not been reported in the literature in individuals affected with CEP164-related conditions. ClinVar contains an entry for this variant (Variation ID: 1506128). Advanced modeling of protein sequence and biophysical properties (such as structural, functional, and spatial information, amino acid conservation, physicochemical variation, residue mobility, and thermodynamic stability) has been performed at Invitae for this missense variant, however the output from this modeling did not meet the statistical confidence thresholds required to predict the impact of this variant on CEP164 protein function. In summary, the available evidence is currently insufficient to determine the role of this variant in disease. Therefore, it has been classified as a Variant of Uncertain Significance.

NM_014956.5(CEP164):c.3494T>C (p.Leu1165Pro)

Gene: CEP164 (centrosomal protein 164; plus strand). Cytogenetic location: 11q23.3.
Variant type: single nucleotide variant.
Coding change: c.3494T>C on transcript NM_014956.5 (MANE Select); coding-DNA position 3494, T replaced by C.
Protein change: p.Leu1165Pro; replaces leucine 1165 with proline.
Molecular consequence: missense variant.
Genome position (GRCh38, 1-based): chr11:117,397,306, T>C. VCF-style: chr11-117397306-T-C. GRCh37 (hg19) VCF-style: chr11-117268022-T-C.
Other names: c.3503T>C, p.Leu1168Pro (NM_001271933.2); short protein forms L1165P, L1168P.
Identifiers: ClinVar variation 1506128 (VCV001506128.7), dbSNP rs747917840, ClinGen allele CA6295464.